The following is an entry in ClinVar:

ClinVar aggregate classification (germline): Likely pathogenic. Review status: criteria provided, single submitter (1 of 4 stars). 2 submissions from 2 submitters: Likely pathogenic (1). 1 of the submissions does not count toward it. Last evaluated 2022-06-22.

Conditions:
Propionic acidemia (PROP). Also called: GLYCINEMIA, KETOTIC; HYPERGLYCINEMIA WITH KETOACIDOSIS AND LEUKOPENIA; KETOTIC HYPERGLYCINEMIA. Identifiers: Orphanet 35, MedGen C0268579, MONDO:0011628, OMIM 606054, HP:0003571.

Submissions (2):

Labcorp Genetics (formerly Invitae), Labcorp
Classification: Likely pathogenic for Propionic acidemia. Last evaluated: 2022-06-22. Review status: criteria provided, single submitter. Criteria: Invitae Variant Classification Sherloc (09022015). Collection method: clinical testing. Allele origin: germline.
Comment: This variant is not present in population databases (gnomAD no frequency). This sequence change affects a donor splice site in intron 4 of the PCCB gene. It is expected to disrupt RNA splicing. Variants that disrupt the donor or acceptor splice site typically lead to a loss of protein function (PMID: 16199547), and loss-of-function variants in PCCB are known to be pathogenic (PMID: 15464417). This variant has not been reported in the literature in individuals affected with PCCB-related conditions. ClinVar contains an entry for this variant (Variation ID: 557379). Algorithms developed to predict the effect of sequence changes on RNA splicing suggest that this variant may disrupt the consensus splice site. In summary, the currently available evidence indicates that the variant is pathogenic, but additional data are needed to prove that conclusively. Therefore, this variant has been classified as Likely Pathogenic.

Counsyl
Classification: Likely pathogenic for Propionic acidemia. Last evaluated: 2018-03-22. Review status: no assertion criteria provided. Collection method: clinical testing. Allele origin: unknown. Not counted in ClinVar's aggregate classification.

Literature cited by the submitters: PubMed 16199547 (cited by Labcorp Genetics (formerly Invitae), Labcorp); PubMed 15464417 (cited by Labcorp Genetics (formerly Invitae), Labcorp).

NM_000532.5(PCCB):c.429+1G>A

Gene: PCCB (propionyl-CoA carboxylase subunit beta; plus strand). Cytogenetic location: 3q22.3.
Variant type: single nucleotide variant.
Coding change: c.429+1G>A on transcript NM_000532.5 (MANE Select); the canonical splice donor site of the intron after coding-DNA position 429, G replaced by A.
Molecular consequence: splice donor variant.
Genome position (GRCh38, 1-based): chr3:136,260,536, G>A. VCF-style: chr3-136260536-G-A. GRCh37 (hg19) VCF-style: chr3-135979378-G-A.
Other names: c.489+1G>A (NM_001178014.2).
Identifiers: ClinVar variation 557379 (VCV000557379.7), dbSNP rs1317017233, ClinGen allele CA354739424.